The following is an entry in ClinVar:

NM_018896.5(CACNA1G):c.4184C>T (p.Ala1395Val)

Gene: CACNA1G (calcium voltage-gated channel subunit alpha1 G; plus strand). Cytogenetic location: 17q21.33.
Variant type: single nucleotide variant.
Coding change: c.4184C>T on transcript NM_018896.5 (MANE Select); coding-DNA position 4184, C replaced by T.
Protein change: p.Ala1395Val; replaces alanine 1395 with valine.
Molecular consequence: missense variant. On other transcripts: non-coding transcript variant (5).
Genome position (GRCh38, 1-based): chr17:50,604,169, C>T. VCF-style: chr17-50604169-C-T. GRCh37 (hg19) VCF-style: chr17-48681530-C-T.
Other names: c.4115C>T, p.Ala1372Val (NM_198383.3, NM_198387.3, NM_198388.3 and 5 more transcripts); c.4184C>T, p.Ala1395Val (NM_198384.3, NM_198385.3, NM_198386.3 and 16 more transcripts); short protein forms A1372V, A1395V.
Identifiers: ClinVar variation 4883333 (VCV004883333.2).

ClinVar aggregate classification (germline): Uncertain significance (1 of 4 stars; one submission).

gnomAD v4.1: 1 of 1,613,358 alleles (0.000062%); highest among the groups gnomAD compares: Non-Finnish European, 0.000085%; no homozygotes.

Submission:

Dasa
Classification: Uncertain significance. Last evaluated: 2024-06-24. Review status: criteria provided, single submitter. Criteria: DASA Assertion Criteria. Collection method: clinical testing. Allele origin: germline.
Comment: NM_018896.5(CACNA1G):c.4184C>T (p.Ala1395Val) is a missense variant that results in the substitution of alanine with valine. This variant is rare in population databases. Computational prediction algorithms are consistent with a deleterious effect. The currently available literature and clinical evidence are not sufficient to establish a definitive association between this variant and the reported condition. Therefore, this variant is classified as a variant of uncertain significance.